The following is an entry in ClinVar:

NM_017739.4(POMGNT1):c.1438C>T (p.Arg480Trp)

Genes: POMGNT1 (protein O-linked mannose N-acetylglucosaminyltransferase 1 (beta 1,2-); minus strand), TSPAN1 (tetraspanin 1; plus strand). Cytogenetic location: 1p34.1.
Variant type: single nucleotide variant.
Coding change: c.1438C>T on transcript NM_017739.4 (MANE Select); coding-DNA position 1438, C replaced by T.
Protein change: p.Arg480Trp; replaces arginine 480 with tryptophan.
Molecular consequence: missense variant.
Genome position (GRCh38, 1-based): chr1:46,192,199, G>A on the plus strand (C>T on the coding strand, the complement: POMGNT1 is on the minus strand). VCF-style: chr1-46192199-G-A. GRCh37 (hg19) VCF-style: chr1-46657871-G-A.
Other names: c.1438C>T, p.Arg480Trp (NM_001243766.2, NM_001410783.1); c.1372C>T, p.Arg458Trp (NM_001290129.3); c.1009C>T, p.Arg337Trp (NM_001290130.2); short protein forms R480W, R458W, R337W.
Identifiers: ClinVar variation 595996 (VCV000595996.14), dbSNP rs1011150724, ClinGen allele CA21912343.
Genomic context (GRCh38, chr1:46,192,199, plus strand): 5'-GGTAGGATCGGGAAACGTCAGGGATGATGCACTCTCGGCCCCGGCGTTGTTCAGGCATCC[G>A]CATCCACATGTCCCAATCCCAGAGCTGGCAGACATGGACCACGATGAAGGTTAAGATGTT-3'
Protein context (NP_060209.4, residues 470-490): EKLWDWDMWM[Arg480Trp]MPEQRRGREC

ClinVar aggregate classification (germline): Uncertain significance. Review status: criteria provided, multiple submitters, no conflicts (2 of 4 stars). 3 submissions from 3 submitters: Uncertain significance (3). Last evaluated 2025-09-02.

Conditions:
Retinitis pigmentosa 76 (RP76). Identifiers: MedGen C4310704, MONDO:0014929, OMIM 617123.
Autosomal recessive limb-girdle muscular dystrophy type 2O. Also called: Limb-Girdle Muscular Dystrophy Type 3C; MUSCULAR DYSTROPHY-DYSTROGLYCANOPATHY, LIMB-GIRDLE, POMGNT1-RELATED; MUSCULAR DYSTROPHY-DYSTROGLYCANOPATHY (LIMB-GIRDLE), TYPE C, 3. Identifiers: Orphanet 206564, MedGen C3150417, MONDO:0013161, OMIM 613157.
Muscular dystrophy-dystroglycanopathy (congenital with impaired intellectual development), type B, 3. Also called: Muscular dystrophy-dystroglycanopathy (congenital with intellectual disability), type B3; MUSCULAR DYSTROPHY, CONGENITAL, POMGNT1-RELATED. Identifiers: MedGen C3150412, MONDO:0013155, OMIM 613151.

Allele frequency attached by ClinVar (database versions not stated): gnomAD exomes below 0.00001 and 0.00001; TOPMed 0.00001; gnomAD 0.00001.
gnomAD v4.1: 11 of 1,614,078 alleles (0.00068%); highest among the groups gnomAD compares: Admixed American, 0.0017%; no homozygotes.

Submissions (3):

Labcorp Genetics (formerly Invitae), Labcorp
Classification: Uncertain significance for Autosomal recessive limb-girdle muscular dystrophy type 2O; Muscular dystrophy-dystroglycanopathy (congenital with impaired intellectual development), type B, 3. Last evaluated: 2025-09-02. Review status: criteria provided, single submitter. Criteria: Invitae Variant Classification Sherloc (09022015). Collection method: clinical testing. Allele origin: germline.
Comment: This sequence change replaces arginine, which is basic and polar, with tryptophan, which is neutral and slightly polar, at codon 480 of the POMGNT1 protein (p.Arg480Trp). This variant is present in population databases (no rsID available, gnomAD 0.003%). This variant has not been reported in the literature in individuals affected with POMGNT1-related conditions. ClinVar contains an entry for this variant (Variation ID: 595996). Invitae Evidence Modeling of protein sequence and biophysical properties (such as structural, functional, and spatial information, amino acid conservation, physicochemical variation, residue mobility, and thermodynamic stability) indicates that this missense variant is expected to disrupt POMGNT1 protein function with a positive predictive value of 80%. In summary, the available evidence is currently insufficient to determine the role of this variant in disease. Therefore, it has been classified as a Variant of Uncertain Significance.

Institute of Human Genetics, University of Leipzig Medical Center
Classification: Uncertain significance for Retinitis pigmentosa 76. Last evaluated: 2020-08-07. Review status: criteria provided, single submitter. Criteria: ACMG Guidelines, 2015. Collection method: clinical testing. Allele origin: unknown. Inheritance: Autosomal recessive inheritance. Affected: yes.
Comment: Criteria applied: PM2,PP3

Eurofins Ntd Llc (ga)
Classification: Uncertain significance. Last evaluated: 2018-02-08. Review status: criteria provided, single submitter. Criteria: EGL Classification Definitions 2015. Collection method: clinical testing. Allele origin: germline. Observed: 1 variant allele, 1 heterozygote.